The following is an entry in ClinVar:

ClinVar aggregate classification (germline): Uncertain significance (1 of 4 stars; one submission).

Conditions:
Neuropathy, hereditary sensory and autonomic, type 2A (HSAN2A). Also called: HSAN IIA; WNK1-Related HSAN2 (HSAN2A); ACROOSTEOLYSIS, GIACCAI TYPE; ACROOSTEOLYSIS, NEUROGENIC; MORVAN DISEASE; NEUROPATHY, CONGENITAL SENSORY. Identifiers: Orphanet 970, MedGen C2752089, MONDO:0024309, OMIM 201300.
Generalized epilepsy with febrile seizures plus, type 7 (GEFSP7). Also called: GEFS+, TYPE 7. Identifiers: Orphanet 36387, MedGen C2751778, MONDO:0013470, OMIM 613863.

gnomAD v4.1: 8 of 1,609,912 alleles (0.0005%); highest among the groups gnomAD compares: Non-Finnish European, 0.00051%; no homozygotes.

Submission:

Labcorp Genetics (formerly Invitae), Labcorp
Classification: Uncertain significance for Neuropathy, hereditary sensory and autonomic, type 2A; Generalized epilepsy with febrile seizures plus, type 7. Last evaluated: 2021-12-02. Review status: criteria provided, single submitter. Criteria: Invitae Variant Classification Sherloc (09022015). Collection method: clinical testing. Allele origin: germline.
Comment: In summary, the available evidence is currently insufficient to determine the role of this variant in disease. Therefore, it has been classified as a Variant of Uncertain Significance. This sequence change replaces arginine, which is basic and polar, with glycine, which is neutral and non-polar, at codon 429 of the SCN9A protein (p.Arg429Gly). This variant is not present in population databases (gnomAD no frequency). This variant has not been reported in the literature in individuals affected with SCN9A-related conditions. Algorithms developed to predict the effect of missense changes on protein structure and function are either unavailable or do not agree on the potential impact of this missense change (SIFT: "Deleterious"; PolyPhen-2: "Benign"; Align-GVGD: "Class C0").

NM_001365536.1(SCN9A):c.1285C>G (p.Arg429Gly)

Genes: SCN1A-AS1 (SCN1A and SCN9A antisense RNA 1; plus strand), SCN9A (sodium voltage-gated channel alpha subunit 9; minus strand). Cytogenetic location: 2q24.3.
Variant type: single nucleotide variant.
Coding change: c.1285C>G on transcript NM_001365536.1 (MANE Select); coding-DNA position 1285, C replaced by G.
Protein change: p.Arg429Gly; replaces arginine 429 with glycine.
Molecular consequence: missense variant.
Genome position (GRCh38, 1-based): chr2:166,288,466, G>C on the plus strand (C>G on the coding strand, the complement: SCN9A is on the minus strand). VCF-style: chr2-166288466-G-C. GRCh37 (hg19) VCF-style: chr2-167144976-G-C.
Other names: c.1285C>G, p.Arg429Gly (NM_002977.4); short protein forms R429G.
Identifiers: ClinVar variation 1396031 (VCV001396031.6), dbSNP rs763256222, ClinGen allele CA349085703.